The following is an entry in ClinVar:

ClinVar aggregate classification (germline): Likely benign (1 of 4 stars; one submission).

gnomAD v4.1: 2,062 of 1,613,818 alleles (0.13%); highest among the groups gnomAD compares: Non-Finnish European, 0.16%; 5 homozygotes.

Submission:

CeGaT Center for Human Genetics Tuebingen
Classification: Likely benign. Last evaluated: 2025-12-01. Review status: criteria provided, single submitter. Criteria: CeGaT Center For Human Genetics Tuebingen Variant Classification Criteria Version 2. Collection method: clinical testing. Allele origin: germline. Affected: yes. Observed: 2 variant alleles.
Comment: SEPHS1: BP4, BP7

NM_012247.5(SEPHS1):c.450C>T (p.Asp150=)

Gene: SEPHS1 (selenophosphate synthetase 1; minus strand). Cytogenetic location: 10p13.
Variant type: single nucleotide variant.
Coding change: c.450C>T on transcript NM_012247.5 (MANE Select); coding-DNA position 450, C replaced by T.
Protein change: p.Asp150=; no amino-acid change (aspartic acid 150 retained).
Molecular consequence: synonymous variant. On other transcripts: non-coding transcript variant (1).
Genome position (GRCh38, 1-based): chr10:13,333,927, G>A on the plus strand (C>T on the coding strand, the complement: SEPHS1 is on the minus strand). VCF-style: chr10-13333927-G-A. GRCh37 (hg19) VCF-style: chr10-13375927-G-A.
Other names: c.249C>T, p.Asp83= (NM_001195602.2); c.450C>T, p.Asp150= (NM_001195604.2, NM_001375769.1).
Identifiers: ClinVar variation 3770464 (VCV003770464.13).